The following is an entry in ClinVar:

NM_007294.4(BRCA1):c.5548C>A (p.Leu1850Met)

Gene: BRCA1 (BRCA1 DNA repair associated; minus strand). Cytogenetic location: 17q21.31.
Variant type: single nucleotide variant.
Coding change: c.5548C>A on transcript NM_007294.4 (MANE Select); coding-DNA position 5548, C replaced by A.
Protein change: p.Leu1850Met; replaces leucine 1850 with methionine.
Molecular consequence: missense variant. On other transcripts: 3 prime UTR variant (1), non-coding transcript variant (1).
Genome position (GRCh38, 1-based): chr17:43,045,722, G>T on the plus strand (C>A on the coding strand, the complement: BRCA1 is on the minus strand). VCF-style: chr17-43045722-G-T. GRCh37 (hg19) VCF-style: chr17-41197739-G-T.
Other names: c.5335C>A, p.Leu1779Met (NM_001407571.1, NM_001407894.1, NM_001407895.1 and 12 more transcripts); c.5614C>A, p.Leu1872Met (NM_001407581.1, NM_001407582.1); c.5611C>A, p.Leu1871Met (NM_001407583.1, NM_001407585.1, NM_001407587.1 and 1 more transcripts); c.5608C>A, p.Leu1870Met (NM_001407590.1, NM_001407591.1); c.5548C>A, p.Leu1850Met (NM_001407593.1, NM_001407594.1, NM_001407596.1 and 5 more transcripts); c.5545C>A, p.Leu1849Met (NM_001407615.1, NM_001407616.1, NM_001407617.1 and 14 more transcripts); c.5542C>A, p.Leu1848Met (NM_001407634.1, NM_001407635.1, NM_001407636.1 and 13 more transcripts); c.5467C>A, p.Leu1823Met (NM_001407656.1, NM_001407657.1, NM_001407658.1); and 74 more; short protein forms L1803M, L746M, L1850M, L1871M, L1554M, L1739M, L1766M, L1781M.
Identifiers: ClinVar variation 865004 (VCV000865004.3), dbSNP rs2050863835, ClinGen allele CA10590225.
Genomic context (GRCh38, chr17:43,045,722, plus strand): 5'-CTGTGGCTGGCTGCAGTCAGTAGTGGCTGTGGGGGATCTGGGGTATCAGGTAGGTGTCCA[G>T]CTCCTGGCACTGGTAGAGTGCTACACTGTCCAACACCCACTCTCGGGTCACCACAGGTGC-3'
Protein context (NP_009225.1, residues 1840-1860): DSVALYQCQE[Leu1850Met]DTYLIPQIPH

Conditions:
Breast-ovarian cancer, familial, susceptibility to, 1 (BROVCA1). Also called: BRCA1 Hereditary Breast and Ovarian Cancer; OVARIAN CANCER, SUSCEPTIBILITY TO. Identifiers: Orphanet 145, MedGen C2676676, MONDO:0011450, OMIM 604370. Disease mechanism: loss of function.

Submission:

Brotman Baty Institute, University of Washington
No classification provided (evidence only). Condition: Breast-ovarian cancer, familial 1. Review status: no classification provided. Collection method: in vitro. Allele origin: not applicable. Functional consequence: functionally_normal.
ClinVar note: "not provided" was previously submitted as the classification for the variant. However, the classification appeared to be based only on an observation of functional data so it was converted to no classification on 2025-07-30.